The following is an entry in ClinVar:

ClinVar aggregate classification (germline): Uncertain significance (1 of 4 stars; one submission).

Allele frequency attached by ClinVar (database versions not stated): ExAC 0.00001; gnomAD 0.00001; TOPMed 0.00002.

Submission:

Labcorp Genetics (formerly Invitae), Labcorp
Classification: Uncertain significance. Last evaluated: 2022-06-11. Review status: criteria provided, single submitter. Criteria: Invitae Variant Classification Sherloc (09022015). Collection method: clinical testing. Allele origin: germline.
Comment: In summary, the available evidence is currently insufficient to determine the role of this variant in disease. Therefore, it has been classified as a Variant of Uncertain Significance. Algorithms developed to predict the effect of missense changes on protein structure and function are either unavailable or do not agree on the potential impact of this missense change (SIFT: "Deleterious"; PolyPhen-2: "Not Available"; Align-GVGD: "Class C0"). This variant has not been reported in the literature in individuals affected with PCLO-related conditions. This variant is not present in population databases (gnomAD no frequency). This sequence change replaces glutamic acid, which is acidic and polar, with lysine, which is basic and polar, at codon 1695 of the PCLO protein (p.Glu1695Lys).

NM_033026.6(PCLO):c.5083G>A (p.Glu1695Lys)

Gene: PCLO (piccolo presynaptic cytomatrix protein; minus strand). Cytogenetic location: 7q21.11.
Variant type: single nucleotide variant.
Coding change: c.5083G>A on transcript NM_033026.6 (MANE Select); coding-DNA position 5083, G replaced by A.
Protein change: p.Glu1695Lys; replaces glutamic acid 1695 with lysine.
Molecular consequence: missense variant.
Genome position (GRCh38, 1-based): chr7:82,955,870, C>T on the plus strand (G>A on the coding strand, the complement: PCLO is on the minus strand). VCF-style: chr7-82955870-C-T. GRCh37 (hg19) VCF-style: chr7-82585186-C-T.
Other names: c.5083G>A, p.Glu1695Lys (NM_014510.3); short protein forms E1695K.
Identifiers: ClinVar variation 1909368 (VCV001909368.5), dbSNP rs781119407, ClinGen allele CA4320710.